The following is an entry in ClinVar:

ClinVar aggregate classification (germline): Uncertain significance (1 of 4 stars; one submission).

gnomAD v4.1: 1 of 1,530,148 alleles (0.000065%); highest among the groups gnomAD compares: Non-Finnish European, 0.000089%; no homozygotes.

Submission:

Labcorp Genetics (formerly Invitae), Labcorp
Classification: Uncertain significance. Last evaluated: 2025-04-17. Review status: criteria provided, single submitter. Criteria: Invitae Variant Classification Sherloc (09022015). Collection method: clinical testing. Allele origin: germline.
Comment: This sequence change falls in intron 6 of the DNA2 gene. It does not directly change the encoded amino acid sequence of the DNA2 protein. It affects a nucleotide within the consensus splice site. This variant is not present in population databases (gnomAD no frequency). This variant has not been reported in the literature in individuals affected with DNA2-related conditions. Variants that disrupt the consensus splice site are a relatively common cause of aberrant splicing (PMID: 17576681, 9536098). Algorithms developed to predict the effect of sequence changes on RNA splicing suggest that this variant may disrupt the consensus splice site. In summary, the available evidence is currently insufficient to determine the role of this variant in disease. Therefore, it has been classified as a Variant of Uncertain Significance.

Literature cited by the submitters: PubMed 17576681; PubMed 9536098.

NM_001080449.3(DNA2):c.939+3A>G

Gene: DNA2 (DNA replication helicase/nuclease 2; minus strand). Cytogenetic location: 10q21.3.
Variant type: single nucleotide variant.
Coding change: c.939+3A>G on transcript NM_001080449.3 (MANE Select); 3 bases into the intron after coding-DNA position 939, A replaced by G.
Molecular consequence: intron variant.
Genome position (GRCh38, 1-based): chr10:68,450,025, T>C on the plus strand (A>G on the coding strand, the complement: DNA2 is on the minus strand). VCF-style: chr10-68450025-T-C. GRCh37 (hg19) VCF-style: chr10-70209782-T-C.
Identifiers: ClinVar variation 4809591 (VCV004809591.1).
Genomic context (GRCh38, chr10:68,450,025, plus strand): 5'-CTCTGTCTCAAAAAAAAAAAAAAAAAAGTATAAAACAGACAATTTTCTTATTAACATTTA[T>C]ACCTGACTACGGTGTTCAATAGAATTTGATTCTTTGCCAGTTTTAAGTTCCAGCGGCATT-3'